The following is an entry in ClinVar:

NM_021224.6(ZNF462):c.1834C>G (p.Leu612Val)

Gene: ZNF462 (zinc finger protein 462; plus strand). Cytogenetic location: 9q31.2.
Variant type: single nucleotide variant.
Coding change: c.1834C>G on transcript NM_021224.6 (MANE Select); coding-DNA position 1834, C replaced by G.
Protein change: p.Leu612Val; replaces leucine 612 with valine.
Molecular consequence: missense variant.
Genome position (GRCh38, 1-based): chr9:106,925,746, C>G. VCF-style: chr9-106925746-C-G. GRCh37 (hg19) VCF-style: chr9-109688027-C-G.
Other names: c.1834C>G, p.Leu612Val (NM_001347997.2); short protein forms L612V.
Identifiers: ClinVar variation 2446289 (VCV002446289.2), dbSNP rs534168298, ClinGen allele CA374386047.
Genomic context (GRCh38, chr9:106,925,746, plus strand): 5'-ACACAAGCCGCACCTCTGCACCCATACAAATGCACCATGTGTAATTACTCCACCACAACT[C>G]TGAAAGGGCTAAGAGTCCATCAGCAGCATAAACATTCATTCTGTGACAACTTGCCAAAAT-3'
Protein context (NP_067047.4, residues 602-622): CTMCNYSTTT[Leu612Val]KGLRVHQQHK

ClinVar aggregate classification (germline): Uncertain significance (1 of 4 stars; one submission).

Submission:

GeneDx
Classification: Uncertain significance. Last evaluated: 2024-06-10. Review status: criteria provided, single submitter. Criteria: GeneDx Variant Classification Process June 2021. Collection method: clinical testing. Allele origin: germline.
Comment: Not observed at significant frequency in large population cohorts (gnomAD); In silico analysis supports that this missense variant does not alter protein structure/function; Has not been previously published as pathogenic or benign to our knowledge